The following is an entry in ClinVar:

NM_004260.4(RECQL4):c.2586G>A (p.Ser862=)

Gene: RECQL4 (RecQ like helicase 4; minus strand). Cytogenetic location: 8q24.3.
Variant type: single nucleotide variant.
Coding change: c.2586G>A on transcript NM_004260.4 (MANE Select); coding-DNA position 2586, G replaced by A.
Protein change: p.Ser862=; no amino-acid change (serine 862 retained).
Molecular consequence: synonymous variant.
Genome position (GRCh38, 1-based): chr8:144,513,016, C>T on the plus strand (G>A on the coding strand, the complement: RECQL4 is on the minus strand). VCF-style: chr8-144513016-C-T. GRCh37 (hg19) VCF-style: chr8-145738399-C-T.
Identifiers: ClinVar variation 406924 (VCV000406924.13), dbSNP rs201012205, ClinGen allele CA4948177.
Genomic context (GRCh38, chr8:144,513,016, plus strand): 5'-AGCCTCTTGAGGGGGGTACTTGGGCACAGGCCTCTCCCCACCCACGGCCCCTTCCTGCTC[C>T]GAGGGCGGCCTGGTGCAGGTGCAGGTGCAGGCTGGGAACACGCGCTGTACCAGCCTCTTC-3'
Protein context (NP_004251.4, residues 852-872): ACTCTCTRPP[Ser862=]EQEGAVGGER

ClinVar aggregate classification (germline): Likely benign. Review status: criteria provided, multiple submitters, no conflicts (2 of 4 stars). 3 submissions from 3 submitters: Likely benign (3). Last evaluated 2025-12-01.

Conditions:
RECQL4-related disorder. Also called: RECQL4-related disorders; RECQL4-related condition.
Baller-Gerold syndrome (BGS). Also called: CRANIOSYNOSTOSIS WITH RADIAL DEFECTS. Identifiers: Orphanet 1225, MedGen C0265308, MONDO:0009039, OMIM 218600.

Allele frequency attached by ClinVar (database versions not stated): TOPMed 0.00005; gnomAD 0.00006; ExAC 0.00007; gnomAD exomes 0.00007 and 0.00010; 1000 Genomes Project 30x 0.00016; ESP Exome Variant Server 0.00016; 1000 Genomes Project 0.00020.
gnomAD v4.1: 113 of 1,570,906 alleles (0.0072%); highest among the groups gnomAD compares: Middle Eastern, 0.033%; no homozygotes.

Submissions (3):

PreventionGenetics, part of Exact Sciences
Classification: Likely benign for RECQL4-related condition. Last evaluated: 2025-12-01. Review status: criteria provided, single submitter. Criteria: ACMG Guidelines, 2015. Collection method: clinical testing. Allele origin: germline.
Comment: This variant is classified as likely benign based on ACMG/AMP sequence variant interpretation guidelines (Richards et al. 2015 PMID: 25741868, with internal and published modifications).

Labcorp Genetics (formerly Invitae), Labcorp
Classification: Likely benign for Baller-Gerold syndrome. Last evaluated: 2025-08-29. Review status: criteria provided, single submitter. Criteria: Invitae Variant Classification Sherloc (09022015). Collection method: clinical testing. Allele origin: germline.

Blueprint Genetics
Classification: Likely benign. Last evaluated: 2024-10-18. Review status: criteria provided, single submitter. Criteria: ACMG Guidelines, 2015. Collection method: clinical testing. Allele origin: germline.